The following is an entry in ClinVar:

ClinVar aggregate classification (germline): Likely benign (1 of 4 stars; one submission).

Submission:

CeGaT Center for Human Genetics Tuebingen
Classification: Likely benign. Last evaluated: 2026-05-01. Review status: criteria provided, single submitter. Criteria: CeGaT Center For Human Genetics Tuebingen Variant Classification Criteria Version 2. Collection method: clinical testing. Allele origin: germline. Affected: yes. Observed: 2 variant alleles.
Comment: PTPN23: PM2:Supporting, BP4, BP7

NM_015466.4(PTPN23):c.1956C>T (p.Asn652=)

Gene: PTPN23 (protein tyrosine phosphatase non-receptor type 23; plus strand). Cytogenetic location: 3p21.31.
Variant type: single nucleotide variant.
Coding change: c.1956C>T on transcript NM_015466.4 (MANE Select); coding-DNA position 1956, C replaced by T.
Protein change: p.Asn652=; no amino-acid change (asparagine 652 retained).
Molecular consequence: synonymous variant.
Genome position (GRCh38, 1-based): chr3:47,409,661, C>T. VCF-style: chr3-47409661-C-T. GRCh37 (hg19) VCF-style: chr3-47451151-C-T.
Other names: c.1578C>T, p.Asn526= (NM_001304482.2).
Identifiers: ClinVar variation 4084661 (VCV004084661.8).